The following is an entry in ClinVar:

ClinVar aggregate classification (germline): Uncertain significance. Review status: criteria provided, multiple submitters, no conflicts (2 of 4 stars). 3 submissions from 3 submitters: Uncertain significance (3). Last evaluated 2025-10-22.

Conditions:
Von Hippel-Lindau syndrome (VHLS). Also called: von Hippel–Lindau syndrome; VHL syndrome; Von Hippel-Lindau. Identifiers: Orphanet 892, MedGen C0019562, MONDO:0008667, OMIM 193300. Disease mechanism: loss of function.
Hereditary cancer-predisposing syndrome. Also called: Neoplastic Syndromes, Hereditary; Tumor predisposition; Hereditary Cancer Syndrome; Hereditary neoplastic syndrome. Identifiers: Orphanet 140162, MedGen C0027672, MeSH D009386, MONDO:0015356.
Chuvash polycythemia. Also called: POLYCYTHEMIA, VHL-DEPENDENT. Identifiers: Orphanet 238557, MedGen C1837915, MONDO:0009892, OMIM 263400.

Submissions (3):

Ambry Genetics
Classification: Uncertain significance for Hereditary cancer-predisposing syndrome. Last evaluated: 2025-10-22. Review status: criteria provided, single submitter. Criteria: Ambry Variant Classification Scheme 2023. Collection method: clinical testing. Allele origin: germline.
Comment: The p.E10A variant (also known as c.29A>C), located in coding exon 1 of the VHL gene, results from an A to C substitution at nucleotide position 29. The glutamic acid at codon 10 is replaced by alanine, an amino acid with dissimilar properties. This amino acid position is well conserved in available vertebrate species. In addition, this alteration is predicted to be tolerated by in silico analysis. Based on the available evidence, the clinical significance of this variant remains unclear.

Labcorp Genetics (formerly Invitae), Labcorp
Classification: Uncertain significance for Von Hippel-Lindau syndrome; Chuvash polycythemia. Last evaluated: 2024-09-17. Review status: criteria provided, single submitter. Criteria: Invitae Variant Classification Sherloc (09022015). Collection method: clinical testing. Allele origin: germline.
Comment: This sequence change replaces glutamic acid, which is acidic and polar, with alanine, which is neutral and non-polar, at codon 10 of the VHL protein (p.Glu10Ala). This variant is not present in population databases (gnomAD no frequency). This variant has not been reported in the literature in individuals affected with VHL-related conditions. Invitae Evidence Modeling of protein sequence and biophysical properties (such as structural, functional, and spatial information, amino acid conservation, physicochemical variation, residue mobility, and thermodynamic stability) indicates that this missense variant is not expected to disrupt VHL protein function with a negative predictive value of 95%. In summary, the available evidence is currently insufficient to determine the role of this variant in disease. Therefore, it has been classified as a Variant of Uncertain Significance.

All of Us Research Program, National Institutes of Health
Classification: Uncertain significance for Von Hippel-Lindau syndrome. Last evaluated: 2023-11-20. Review status: criteria provided, single submitter. Criteria: ACMG Guidelines, 2015. Collection method: clinical testing. Allele origin: germline. Inheritance: Autosomal dominant inheritance. Observed: 1 variant allele, 1 heterozygote.
Comment: This missense variant replaces glutamic acid with alanine at codon 10 of the VHL protein. Computational prediction suggests that this variant may not impact protein structure and function (internally defined REVEL score threshold <= 0.5, PMID: 27666373). To our knowledge, functional studies have not been reported for this variant. This variant has not been reported in individuals affected with VHL-related disorders in the literature. This variant has not been identified in the general population by the Genome Aggregation Database (gnomAD). The available evidence is insufficient to determine the role of this variant in disease conclusively. Therefore, this variant is classified as a Variant of Uncertain Significance.

This study involves interpretation of variants in research participants for the purpose of population health screening. Participant phenotype was not available at the time of variant classification. Additional details can be found in publication PMID: 35346344, PMCID: PMC8962531

NM_000551.4(VHL):c.29A>C (p.Glu10Ala)

Gene: VHL (von Hippel-Lindau tumor suppressor; plus strand). Cytogenetic location: 3p25.3.
Variant type: single nucleotide variant.
Coding change: c.29A>C on transcript NM_000551.4 (MANE Select); coding-DNA position 29, A replaced by C.
Protein change: p.Glu10Ala; replaces glutamic acid 10 with alanine.
Molecular consequence: missense variant. On other transcripts: non-coding transcript variant (1).
Genome position (GRCh38, 1-based): chr3:10,141,876, A>C. VCF-style: chr3-10141876-A-C. GRCh37 (hg19) VCF-style: chr3-10183560-A-C.
Other names: c.29A>C, p.Glu10Ala (NM_001354723.2, NM_198156.3); short protein forms E10A.
Identifiers: ClinVar variation 2930539 (VCV002930539.5), dbSNP rs786204065, ClinGen allele CA351747093.
Genomic context (GRCh38, chr3:10,141,876, plus strand): 5'-GTCCGGCCCGGGTGGTCTGGATCGCGGAGGGAATGCCCCGGAGGGCGGAGAACTGGGACG[A>C]GGCCGAGGTAGGCGCGGAGGAGGCAGGCGTCGAAGAGTACGGCCCTGAAGAAGACGGCGG-3'
Protein context (NP_000542.1, residues 1-20): MPRRAENWD[Glu10Ala]AEVGAEEAGV